The following is an entry in ClinVar:

ClinVar aggregate classification (germline): Uncertain significance (1 of 4 stars; one submission).

Conditions:
Progressive microcephaly-seizures-cortical blindness-developmental delay syndrome. Also called: Seizures, cortical blindness, and microcephaly syndrome. Identifiers: Orphanet 477814, MedGen C5567650, MONDO:0014714, OMIM 616632.
Autosomal dominant nonsyndromic hearing loss 1. Also called: DEAFNESS, AUTOSOMAL DOMINANT 1, WITH OR WITHOUT THROMBOCYTOPENIA; KONIGSMARK SYNDROME. Identifiers: Orphanet 90635, MedGen C1852282, MONDO:0007424, OMIM 124900.

Submission:

Labcorp Genetics (formerly Invitae), Labcorp
Classification: Uncertain significance for Progressive microcephaly-seizures-cortical blindness-developmental delay syndrome; Autosomal dominant nonsyndromic hearing loss 1. Last evaluated: 2025-05-13. Review status: criteria provided, single submitter. Criteria: Invitae Variant Classification Sherloc (09022015). Collection method: clinical testing. Allele origin: germline.
Comment: This sequence change replaces leucine, which is neutral and non-polar, with isoleucine, which is neutral and non-polar, at codon 1202 of the DIAPH1 protein (p.Leu1202Ile). This variant is not present in population databases (gnomAD no frequency). This variant has not been reported in the literature in individuals affected with DIAPH1-related conditions. An algorithm developed to predict the effect of missense changes on protein structure and function (PolyPhen-2) suggests that this variant is likely to be disruptive. In summary, the available evidence is currently insufficient to determine the role of this variant in disease. Therefore, it has been classified as a Variant of Uncertain Significance.

NM_005219.5(DIAPH1):c.3604C>A (p.Leu1202Ile)

Gene: DIAPH1 (diaphanous related formin 1; minus strand). Cytogenetic location: 5q31.3.
Variant type: single nucleotide variant.
Coding change: c.3604C>A on transcript NM_005219.5 (MANE Select); coding-DNA position 3604, C replaced by A.
Protein change: p.Leu1202Ile; replaces leucine 1202 with isoleucine.
Molecular consequence: missense variant.
Genome position (GRCh38, 1-based): chr5:141,524,200, G>T on the plus strand (C>A on the coding strand, the complement: DIAPH1 is on the minus strand). VCF-style: chr5-141524200-G-T. GRCh37 (hg19) VCF-style: chr5-140903767-G-T.
Other names: c.3577C>A, p.Leu1193Ile (NM_001079812.3); c.3604C>A, p.Leu1202Ile (NM_001314007.2); short protein forms L1193I, L1202I.
Identifiers: ClinVar variation 4785008 (VCV004785008.1).